The following is an entry in ClinVar:

NM_000088.4(COL1A1):c.804+103G>A

Genes: COL1A1 (collagen type I alpha 1 chain; minus strand), LOC126862586 (CDK7 strongly-dependent group 2 enhancer GRCh37_chr17:48273702-48274901; plus strand). Cytogenetic location: 17q21.33.
Variant type: single nucleotide variant.
Coding change: c.804+103G>A on transcript NM_000088.4 (MANE Select); 103 bases into the intron after coding-DNA position 804, G replaced by A.
Molecular consequence: intron variant.
Genome position (GRCh38, 1-based): chr17:50,196,907, C>T on the plus strand (G>A on the coding strand, the complement: COL1A1 is on the minus strand). VCF-style: chr17-50196907-C-T. GRCh37 (hg19) VCF-style: chr17-48274268-C-T.
Identifiers: ClinVar variation 679877 (VCV000679877.1), dbSNP rs41317353, ClinGen allele CA291547479.
Genomic context (GRCh38, chr17:50,196,907, plus strand): 5'-TCCCATGGAGGGAGGTGCTTTTGGATGTCCACTCTCTGTCCCTTGGGACTTCTGTAGCTG[C>T]CACCCACCATGATGCAACTCAGTATCTTTTGGGGAAGAGGTTGGGACTGGATGGGGGTAT-3'

ClinVar aggregate classification (germline): Likely benign (1 of 4 stars; one submission).

Allele frequency attached by ClinVar (database versions not stated): 1000 Genomes Project 0.00300; 1000 Genomes Project 30x 0.00312; TOPMed 0.00849; gnomAD 0.00897 and 0.00918.

Submission:

GeneDx
Classification: Likely benign. Last evaluated: 2018-06-19. Review status: criteria provided, single submitter. Criteria: GeneDx Variant Classification (06012015). Collection method: clinical testing. Allele origin: germline. Affected: yes.
Comment: This variant is considered likely benign or benign based on one or more of the following criteria: it is a conservative change, it occurs at a poorly conserved position in the protein, it is predicted to be benign by multiple in silico algorithms, and/or has population frequency not consistent with disease.